The following is an entry in ClinVar:

ClinVar aggregate classification (germline): Likely pathogenic (1 of 4 stars; one submission).

Submission:

CeGaT Center for Human Genetics Tuebingen
Classification: Likely pathogenic. Last evaluated: 2025-11-01. Review status: criteria provided, single submitter. Criteria: CeGaT Center For Human Genetics Tuebingen Variant Classification Criteria Version 2. Collection method: clinical testing. Allele origin: germline. Affected: yes. Observed: 2 variant alleles.
Comment: GRIA2: PVS1:Strong, PM2

NM_001083619.3(GRIA2):c.1662C>A (p.Tyr554Ter)

Gene: GRIA2 (glutamate ionotropic receptor AMPA type subunit 2; plus strand). Cytogenetic location: 4q32.1.
Variant type: single nucleotide variant.
Coding change: c.1662C>A on transcript NM_001083619.3 (MANE Select); coding-DNA position 1662, C replaced by A.
Protein change: p.Tyr554Ter; replaces tyrosine 554 with a stop codon.
Molecular consequence: nonsense.
Genome position (GRCh38, 1-based): chr4:157,336,565, C>A. VCF-style: chr4-157336565-C-A. GRCh37 (hg19) VCF-style: chr4-158257717-C-A.
Other names: c.1662C>A, p.Tyr554Ter (NM_000826.6); c.1521C>A, p.Tyr507Ter (NM_001083620.3, NM_001379000.3, NM_001379001.3); short protein forms Y507*, Y554*.
Identifiers: ClinVar variation 4281472 (VCV004281472.7).
Genomic context (GRCh38, chr4:157,336,565, plus strand): 5'-AGTGTTTTCCTTTCTTGATCCTTTAGCCTATGAGATCTGGATGTGCATTGTTTTTGCCTA[C>A]ATTGGGGTCAGTGTAGTTTTATTCCTGGTCAGCAGATTTAGCCCCTACGAGTGGCACACT-3'